The following is an entry in ClinVar:

ClinVar aggregate classification (germline): Uncertain significance. Review status: criteria provided, multiple submitters, no conflicts (2 of 4 stars). 2 submissions from 2 submitters: Uncertain significance (2). Last evaluated 2025-08-15.

Conditions:
RYR1-related disorder. Also called: RYR1-related disorders; RYR1-related condition. Identifiers: MedGen CN239331.

Submissions (2):

Labcorp Genetics (formerly Invitae), Labcorp
Classification: Uncertain significance for RYR1-related disorder. Last evaluated: 2025-08-15. Review status: criteria provided, single submitter. Criteria: Invitae Variant Classification Sherloc (09022015). Collection method: clinical testing. Allele origin: germline.
Comment: This sequence change replaces lysine, which is basic and polar, with asparagine, which is neutral and polar, at codon 3367 of the RYR1 protein (p.Lys3367Asn). This variant is not present in population databases (gnomAD no frequency). This variant has not been reported in the literature in individuals affected with RYR1-related conditions. ClinVar contains an entry for this variant (Variation ID: 644682). Invitae Evidence Modeling of protein sequence and biophysical properties (such as structural, functional, and spatial information, amino acid conservation, physicochemical variation, residue mobility, and thermodynamic stability) indicates that this missense variant is not expected to disrupt RYR1 protein function with a negative predictive value of 80%. In summary, the available evidence is currently insufficient to determine the role of this variant in disease. Therefore, it has been classified as a Variant of Uncertain Significance.

Dasa
Classification: Uncertain significance. Last evaluated: 2024-12-19. Review status: criteria provided, single submitter. Criteria: DASA Assertion Criteria. Collection method: clinical testing. Allele origin: germline.
Comment: NM_000540.3(RYR1):c.10101G>C (p.Lys3367Asn) is a missense variant that results in the substitution of lysine with asparagine. This variant is absent from population databases. The currently available literature and clinical evidence are not sufficient to establish a definitive association between this variant and the reported condition. Therefore, this variant is classified as a variant of uncertain significance.

NM_000540.3(RYR1):c.10101G>C (p.Lys3367Asn)

Gene: RYR1 (ryanodine receptor 1; plus strand). Cytogenetic location: 19q13.2.
Variant type: single nucleotide variant.
Coding change: c.10101G>C on transcript NM_000540.3 (MANE Select); coding-DNA position 10101, G replaced by C.
Protein change: p.Lys3367Asn; replaces lysine 3367 with asparagine.
Molecular consequence: missense variant.
Genome position (GRCh38, 1-based): chr19:38,519,296, G>C. VCF-style: chr19-38519296-G-C. GRCh37 (hg19) VCF-style: chr19-39009936-G-C.
Other names: c.10101G>C, p.Lys3367Asn (NM_001042723.2); short protein forms K3367N.
Identifiers: ClinVar variation 644682 (VCV000644682.9), dbSNP rs1600898118, ClinGen allele CA405695181.
Genomic context (GRCh38, chr19:38,519,296, plus strand): 5'-CCGTGCACGGCCGGAGCTCCTGCAGTCCCACTTCATCCCAACTATCGGGCGGCTGCGCAA[G>C]AGGGCAGGGAAGGTGGTGTCCGAGGAGGAGCAGCTGCGCCTGGAGGCCAAGGCGGAGGCC-3'
Protein context (NP_000531.2, residues 3357-3377): HFIPTIGRLR[Lys3367Asn]RAGKVVSEEE